The following is an entry in ClinVar:

ClinVar aggregate classification (germline): Uncertain significance (1 of 4 stars; one submission).

Submission:

Labcorp Genetics (formerly Invitae), Labcorp
Classification: Uncertain significance. Last evaluated: 2023-11-17. Review status: criteria provided, single submitter. Criteria: Invitae Variant Classification Sherloc (09022015). Collection method: clinical testing. Allele origin: germline.
Comment: This sequence change falls in intron 13 of the EGF gene. It does not directly change the encoded amino acid sequence of the EGF protein. It affects a nucleotide within the consensus splice site. This variant is not present in population databases (gnomAD no frequency). This variant has not been reported in the literature in individuals affected with EGF-related conditions. Variants that disrupt the consensus splice site are a relatively common cause of aberrant splicing (PMID: 17576681, 9536098). Algorithms developed to predict the effect of sequence changes on RNA splicing suggest that this variant is not likely to affect RNA splicing. In summary, the available evidence is currently insufficient to determine the role of this variant in disease. Therefore, it has been classified as a Variant of Uncertain Significance.

Literature cited by the submitters: PubMed 17576681; PubMed 9536098.

NM_001963.6(EGF):c.2053+6G>C

Gene: EGF (epidermal growth factor; plus strand). Cytogenetic location: 4q25.
Variant type: single nucleotide variant.
Coding change: c.2053+6G>C on transcript NM_001963.6 (MANE Select); 6 bases into the intron after coding-DNA position 2053, G replaced by C.
Molecular consequence: intron variant.
Genome position (GRCh38, 1-based): chr4:109,976,241, G>C. VCF-style: chr4-109976241-G-C. GRCh37 (hg19) VCF-style: chr4-110897397-G-C.
Other names: c.2053+6G>C (NM_001178130.3); c.1927+6G>C (NM_001178131.3, NM_001357021.2).
Identifiers: ClinVar variation 2693051 (VCV002693051.3), dbSNP rs1220578795, ClinGen allele CA2697546876.